The following continues an entry in ClinVar:

NM_058216.3(RAD51C):c.397C>T (p.Gln133Ter)

Gene: RAD51C. ClinVar aggregate classification (germline): Pathogenic. Pathogenic (10).

Submissions 13 to 16 of 16:

Counsyl
Classification: Pathogenic for Breast-ovarian cancer, familial, susceptibility to, 3. Last evaluated: 2016-06-08. Review status: no assertion criteria provided. Collection method: clinical testing. Allele origin: unknown. Not counted in ClinVar's aggregate classification.

OMIM
Classification: risk factor for BREAST-OVARIAN CANCER, FAMILIAL, SUSCEPTIBILITY TO, 3. Last evaluated: 2012-04-26. Review status: no assertion criteria provided. Collection method: literature only. Allele origin: germline. Not counted in ClinVar's aggregate classification.

Leiden Open Variation Database
Classification: Pathogenic. Last evaluated: 2011-08-25. Review status: no assertion criteria provided. Collection method: curation. Allele origin: germline. Affected: yes. Not counted in ClinVar's aggregate classification.
Comment: Curator: Arleen D. Auerbach. Submitter to LOVD: Ian Campbell.

Department of Pathology and Laboratory Medicine, Sinai Health System
Classification: Pathogenic for Breast-ovarian cancer, familial, susceptibility to, 3. Review status: no assertion criteria provided. Collection method: clinical testing. Allele origin: unknown. Affected: yes. Study: The Canadian Open Genetics Repository (COGR). Not counted in ClinVar's aggregate classification.
Comment: The RAD51C p.Gln133* variant was identified in 3 of 2450 proband chromosomes (frequency: 0.001) from individuals or families with ovarian or breast cancer and was not identified in 854 control chromosomes from healthy individuals (Loveday 2012, Thompson 2012). The variant was also identified in dbSNP (ID: rs387907159) as "With Pathogenic, Uncertain significance allele", ClinVar (classified as pathogenic by Invitae, Ambry Genetics and three other submitters) and LOVD 3.0, databases. The variant was identified in control databases in 1 of 242778 chromosomes at a frequency of 0.000004 (Genome Aggregation Database Feb 27, 2017). The variant was observed in the European population in 1 of 109692 chromosomes (freq: 0.000009), while the variant was not observed in the African, Other, Latino, Ashkenazi Jewish, East Asian, Finnish, and South Asian populations. The p.Gln133* variant leads to a premature stop codon at position 133, which is predicted to lead to a truncated or absent protein and loss of function. Loss of function variants of the RAD51C gene are an established mechanism of disease in RAD51C associated cancers and is the type of variant expected to cause the disorder. In summary, based on the above information this variant meets our laboratoryâ€šÃ„Ã´s criteria to be classified as pathogenic.

Literature cited by the submitters: PubMed 20400964 (cited by Labcorp Genetics (formerly Invitae), Labcorp); PubMed 21990120 (cited by 6 submitters); PubMed 24800917 (cited by Labcorp Genetics (formerly Invitae), Labcorp); PubMed 29278735 (cited by Labcorp Genetics (formerly Invitae), Labcorp); PubMed 22538716 (cited by 5 submitters); PubMed 28281021 (cited by Ambry Genetics); PubMed 29922827 (cited by Ambry Genetics and Women's Health and Genetics/Laboratory Corporation of America, LabCorp).